The following is an entry in ClinVar:

NM_144498.4(OSBPL2):c.1188C>T (p.Thr396=)

Gene: OSBPL2 (oxysterol binding protein like 2; plus strand). Cytogenetic location: 20q13.33.
Variant type: single nucleotide variant.
Coding change: c.1188C>T on transcript NM_144498.4 (MANE Select); coding-DNA position 1188, C replaced by T.
Protein change: p.Thr396=; no amino-acid change (threonine 396 retained).
Molecular consequence: synonymous variant. On other transcripts: intron variant (1).
Genome position (GRCh38, 1-based): chr20:62,289,269, C>T. VCF-style: chr20-62289269-C-T. GRCh37 (hg19) VCF-style: chr20-60864325-C-T.
Other names: c.912C>T, p.Thr304= (NM_001363878.2); c.1152C>T, p.Thr384= (NM_014835.5); c.850-2434C>T (NM_001278649.3).
Identifiers: ClinVar variation 1289770 (VCV001289770.13), dbSNP rs137915807, ClinGen allele CA9938733.

ClinVar aggregate classification (germline): Benign/Likely benign. Review status: criteria provided, multiple submitters, no conflicts (2 of 4 stars). 5 submissions from 5 submitters: Benign (3); Likely benign (2). Last evaluated 2026-06-01.

Allele frequency attached by ClinVar (database versions not stated): gnomAD exomes 0.00078; ExAC 0.00096; 1000 Genomes Project 30x 0.00172; 1000 Genomes Project 0.00180; gnomAD 0.00257 and 0.00280; ESP Exome Variant Server 0.00308; TOPMed 0.00317.
gnomAD v4.1: 753 of 1,613,788 alleles (0.047%); highest among the groups gnomAD compares: African/African-American, 0.88%; 3 homozygotes.

Submissions (5):

CeGaT Center for Human Genetics Tuebingen
Classification: Likely benign. Last evaluated: 2026-06-01. Review status: criteria provided, single submitter. Criteria: CeGaT Center For Human Genetics Tuebingen Variant Classification Criteria Version 2. Collection method: clinical testing. Allele origin: germline. Affected: yes. Observed: 1 variant allele.
Comment: OSBPL2: BP4, BP7

Labcorp Genetics (formerly Invitae), Labcorp
Classification: Benign. Last evaluated: 2025-12-23. Review status: criteria provided, single submitter. Criteria: Invitae Variant Classification Sherloc (09022015). Collection method: clinical testing. Allele origin: germline.

Blueprint Genetics
Classification: Likely benign. Last evaluated: 2024-09-23. Review status: criteria provided, single submitter. Criteria: ACMG Guidelines, 2015. Collection method: clinical testing. Allele origin: germline.

GeneDx
Classification: Benign. Last evaluated: 2019-08-20. Review status: criteria provided, single submitter. Criteria: GeneDx Variant Classification Process June 2021. Collection method: clinical testing. Allele origin: germline. Affected: yes.

Breakthrough Genomics
Classification: Benign. Review status: criteria provided, single submitter. Criteria: ACMG Guidelines, 2015. Collection method: not provided. Allele origin: germline. Inheritance: Autosomal dominant inheritance. Affected: yes.